The following is an entry in ClinVar:

ClinVar aggregate classification (germline): Uncertain significance (1 of 4 stars; one submission).

Conditions:
Developmental and epileptic encephalopathy, 30 (DEE30). Also called: Epileptic encephalopathy, early infantile, 30. Identifiers: MedGen C4225360, MONDO:0014595, OMIM 616341.

Submission:

Labcorp Genetics (formerly Invitae), Labcorp
Classification: Uncertain significance for Developmental and epileptic encephalopathy, 30. Last evaluated: 2026-01-07. Review status: criteria provided, single submitter. Criteria: Invitae Variant Classification Sherloc (09022015). Collection method: clinical testing. Allele origin: germline.
Comment: This sequence change replaces threonine, which is neutral and polar, with alanine, which is neutral and non-polar, at codon 268 of the SIK1 protein (p.Thr268Ala). This variant is not present in population databases (gnomAD no frequency). This variant has not been reported in the literature in individuals affected with SIK1-related conditions. An algorithm developed to predict the effect of missense changes on protein structure and function (PolyPhen-2) suggests that this variant is likely to be tolerated. In summary, the available evidence is currently insufficient to determine the role of this variant in disease. Therefore, it has been classified as a Variant of Uncertain Significance.

NM_173354.5(SIK1):c.802A>G (p.Thr268Ala)

Gene: SIK1 (salt inducible kinase 1; minus strand). Cytogenetic location: 21q22.3.
Variant type: single nucleotide variant.
Coding change: c.802A>G on transcript NM_173354.5 (MANE Select); coding-DNA position 802, A replaced by G.
Protein change: p.Thr268Ala; replaces threonine 268 with alanine.
Molecular consequence: missense variant.
Genome position (GRCh38, 1-based): chr21:43,420,404, T>C on the plus strand (A>G on the coding strand, the complement: SIK1 is on the minus strand). VCF-style: chr21-43420404-T-C. GRCh37 (hg19) VCF-style: chr21-44840284-T-C.
Other names: short protein forms T268A.
Identifiers: ClinVar variation 4733647 (VCV004733647.1).